The following is an entry in ClinVar:

NM_001042492.3(NF1):c.4792A>G (p.Thr1598Ala)

Gene: NF1 (neurofibromin 1; plus strand). Cytogenetic location: 17q11.2.
Variant type: single nucleotide variant.
Coding change: c.4792A>G on transcript NM_001042492.3 (MANE Select); coding-DNA position 4792, A replaced by G.
Protein change: p.Thr1598Ala; replaces threonine 1598 with alanine.
Molecular consequence: missense variant.
Genome position (GRCh38, 1-based): chr17:31,265,296, A>G. VCF-style: chr17-31265296-A-G. GRCh37 (hg19) VCF-style: chr17-29592314-A-G.
Other names: c.4729A>G, p.Thr1577Ala (NM_000267.4); short protein forms T1577A, T1598A.
Identifiers: ClinVar variation 2452325 (VCV002452325.2), dbSNP rs2151470234, ClinGen allele CA399001302.

ClinVar aggregate classification (germline): Uncertain significance (1 of 4 stars; one submission).

Conditions:
Hereditary cancer-predisposing syndrome. Also called: Neoplastic Syndromes, Hereditary; Tumor predisposition; Hereditary neoplastic syndrome; Hereditary Cancer Syndrome. Identifiers: Orphanet 140162, MedGen C0027672, MeSH D009386, MONDO:0015356.
Cardiovascular phenotype. Identifiers: MedGen CN230736.

Submission:

Ambry Genetics
Classification: Uncertain significance for Cardiovascular phenotype; Hereditary cancer-predisposing syndrome. Last evaluated: 2023-03-05. Review status: criteria provided, single submitter. Criteria: Ambry Variant Classification Scheme 2023. Collection method: clinical testing. Allele origin: germline.
Comment: The p.T1577A variant (also known as c.4729A>G), located in coding exon 35 of the NF1 gene, results from an A to G substitution at nucleotide position 4729. The threonine at codon 1577 is replaced by alanine, an amino acid with similar properties. This amino acid position is conserved. In addition, the in silico prediction for this alteration is inconclusive. Since supporting evidence is limited at this time, the clinical significance of this alteration remains unclear.